The following is an entry in ClinVar:

ClinVar aggregate classification (germline): Uncertain significance (1 of 4 stars; one submission).

Conditions:
Developmental and epileptic encephalopathy, 9 (DEE9). Also called: EPILEPSY, FEMALE-RESTRICTED, WITH MENTAL RETARDATION; Early infantile epileptic encephalopathy 9; PCDH19-Related X-Linked Female-Limited Epilepsy with Mental Retardation; JUBERG-HELLMAN SYNDROME. Identifiers: Orphanet 101039, Orphanet 2076, MedGen C1848137, MONDO:0010246, OMIM 300088. Disease mechanism: loss of function.

Allele frequency attached by ClinVar (database versions not stated): gnomAD exomes 0.00001.

Submission:

Labcorp Genetics (formerly Invitae), Labcorp
Classification: Uncertain significance for Developmental and epileptic encephalopathy, 9. Last evaluated: 2022-05-08. Review status: criteria provided, single submitter. Criteria: Invitae Variant Classification Sherloc (09022015). Collection method: clinical testing. Allele origin: germline.
Comment: This variant has not been reported in the literature in individuals affected with PCDH19-related conditions. In summary, the available evidence is currently insufficient to determine the role of this variant in disease. Therefore, it has been classified as a Variant of Uncertain Significance. Advanced modeling of protein sequence and biophysical properties (such as structural, functional, and spatial information, amino acid conservation, physicochemical variation, residue mobility, and thermodynamic stability) performed at Invitae indicates that this missense variant is expected to disrupt PCDH19 protein function. This variant is present in population databases (no rsID available, gnomAD 0.02%). This sequence change replaces serine, which is neutral and polar, with phenylalanine, which is neutral and non-polar, at codon 476 of the PCDH19 protein (p.Ser476Phe).

NM_001184880.2(PCDH19):c.1427C>T (p.Ser476Phe)

Gene: PCDH19 (protocadherin 19; minus strand). Cytogenetic location: Xq22.1.
Variant type: single nucleotide variant.
Coding change: c.1427C>T on transcript NM_001184880.2 (MANE Select); coding-DNA position 1427, C replaced by T.
Protein change: p.Ser476Phe; replaces serine 476 with phenylalanine.
Molecular consequence: missense variant.
Genome position (GRCh38, 1-based): chrX:100,407,171, G>A on the plus strand (C>T on the coding strand, the complement: PCDH19 is on the minus strand). VCF-style: chrX-100407171-G-A. GRCh37 (hg19) VCF-style: chrX-99662169-G-A.
Other names: c.1427C>T, p.Ser476Phe (NM_001105243.2, NM_020766.3); short protein forms S476F.
Identifiers: ClinVar variation 2158657 (VCV002158657.4), dbSNP rs1168753255, ClinGen allele CA414002746.